The following is an entry in ClinVar:

ClinVar aggregate classification (germline): Uncertain significance. Review status: criteria provided, multiple submitters, no conflicts (2 of 4 stars). 2 submissions from 2 submitters: Uncertain significance (2). Last evaluated 2025-11-05.

Conditions:
WRN-related disorder. Also called: WRN-related condition.
Werner syndrome (WRN). Identifiers: Orphanet 902, MedGen C0043119, MONDO:0010196, OMIM 277700.

Allele frequency attached by ClinVar (database versions not stated): TOPMed below 0.00001; gnomAD exomes 0.00003; ExAC 0.00006.
gnomAD v4.1: 14 of 1,613,334 alleles (0.00087%); highest among the groups gnomAD compares: Non-Finnish European, 0.001%; no homozygotes.

Submissions (2):

PreventionGenetics, part of Exact Sciences
Classification: Uncertain significance for WRN-related condition. Last evaluated: 2025-11-05. Review status: criteria provided, single submitter. Criteria: ACMG Guidelines, 2015. Collection method: clinical testing. Allele origin: germline.
Comment: The WRN c.1563A>C variant is predicted to result in the amino acid substitution p.Glu521Asp. To our knowledge, this variant has not been reported in the literature. This variant is reported in 0.0053% of alleles in individuals of European (Non-Finnish) descent in gnomAD. At this time, the clinical significance of this variant is uncertain due to the absence of conclusive functional and genetic evidence.

Labcorp Genetics (formerly Invitae), Labcorp
Classification: Uncertain significance for Werner syndrome. Last evaluated: 2022-11-03. Review status: criteria provided, single submitter. Criteria: Invitae Variant Classification Sherloc (09022015). Collection method: clinical testing. Allele origin: germline.
Comment: This sequence change replaces glutamic acid, which is acidic and polar, with aspartic acid, which is acidic and polar, at codon 521 of the WRN protein (p.Glu521Asp). This variant is present in population databases (rs747825738, gnomAD 0.005%). This variant has not been reported in the literature in individuals affected with WRN-related conditions. ClinVar contains an entry for this variant (Variation ID: 641092). Algorithms developed to predict the effect of missense changes on protein structure and function output the following: SIFT: "Not Available"; PolyPhen-2: "Benign"; Align-GVGD: "Not Available". The aspartic acid amino acid residue is found in multiple mammalian species, which suggests that this missense change does not adversely affect protein function. In summary, the available evidence is currently insufficient to determine the role of this variant in disease. Therefore, it has been classified as a Variant of Uncertain Significance.

NM_000553.6(WRN):c.1563A>C (p.Glu521Asp)

Gene: WRN (WRN RecQ like helicase; plus strand). Cytogenetic location: 8p12.
Variant type: single nucleotide variant.
Coding change: c.1563A>C on transcript NM_000553.6 (MANE Select); coding-DNA position 1563, A replaced by C.
Protein change: p.Glu521Asp; replaces glutamic acid 521 with aspartic acid.
Molecular consequence: missense variant.
Genome position (GRCh38, 1-based): chr8:31,087,907, A>C. VCF-style: chr8-31087907-A-C. GRCh37 (hg19) VCF-style: chr8-30945423-A-C.
Other names: short protein forms E521D.
Identifiers: ClinVar variation 641092 (VCV000641092.4), dbSNP rs747825738, ClinGen allele CA4704401.